The following is an entry in ClinVar:

NM_000709.4(BCKDHA):c.402del (p.Tyr135fs)

Gene: BCKDHA (branched chain keto acid dehydrogenase E1 subunit alpha; plus strand). Cytogenetic location: 19q13.2.
Variant type: Deletion.
Coding change: c.402del on transcript NM_000709.4 (MANE Select); coding-DNA position 402, one base deleted (C; older notation c.402delC).
Protein change: p.Tyr135fs; shifts the reading frame from tyrosine 135.
Molecular consequence: frameshift variant.
Genome position (GRCh38, 1-based): chr19:41,414,075, C deleted. VCF-style (leftmost placement, unchanged base first): chr19-41414074-AC-A. GRCh37 (hg19) VCF-style: chr19-41919979-AC-A.
Other names: c.402del, p.Tyr135fs (NM_001164783.2); short protein forms Y135fs.
Identifiers: ClinVar variation 2896558 (VCV002896558.5), dbSNP rs1771148109, ClinGen allele CA2336455327.

ClinVar aggregate classification (germline): Pathogenic/Likely pathogenic. Review status: criteria provided, multiple submitters, no conflicts (2 of 4 stars). 3 submissions from 3 submitters: Pathogenic (2); Likely pathogenic (1). Last evaluated 2024-07-19.

Conditions:
Maple syrup urine disease type 1A (MSUD1A). Also called: MSUD type 1A. Identifiers: MedGen C1855369, MONDO:0023691, OMIM 248600.
Maple syrup urine disease (MSUD). Identifiers: Orphanet 511, MedGen C0024776, MeSH D008375, MONDO:0009563. Disease mechanism: loss of function.

Allele frequency attached by ClinVar (database versions not stated): TOPMed below 0.00001.

Submissions (3):

Labcorp Genetics (formerly Invitae), Labcorp
Classification: Pathogenic for Maple syrup urine disease. Last evaluated: 2024-07-19. Review status: criteria provided, single submitter. Criteria: Invitae Variant Classification Sherloc (09022015). Collection method: clinical testing. Allele origin: germline.
Comment: This sequence change creates a premature translational stop signal (p.Tyr135Metfs*30) in the BCKDHA gene. It is expected to result in an absent or disrupted protein product. Loss-of-function variants in BCKDHA are known to be pathogenic (PMID: 16786533, 22593002). This variant is not present in population databases (gnomAD no frequency). This variant has not been reported in the literature in individuals affected with BCKDHA-related conditions. For these reasons, this variant has been classified as Pathogenic.

Fulgent Genetics
Classification: Likely pathogenic for Maple syrup urine disease type 1A. Last evaluated: 2024-05-07. Review status: criteria provided, single submitter. Criteria: ACMG Guidelines, 2015. Collection method: clinical testing. Allele origin: germline.

Myriad Genetics, Inc.
Classification: Pathogenic for Maple syrup urine disease type 1A. Last evaluated: 2023-11-21. Review status: criteria provided, single submitter. Criteria: Myriad Autosomal Dominant, Autosomal Recessive and X-Linked Classification Criteria (2023). Collection method: clinical testing. Allele origin: unknown.
Comment: NM_000709.3(BCKDHA):c.402delC(Y135Mfs*30) is expected to be pathogenic in the context of maple syrup urine disease type Ia. This variant is predicted to lead to an abnormal or absent protein product due to the creation of a premature termination codon in BCKDHA, a gene where loss-of-function variants are known to be pathogenic. Please note: this variant was assessed in the context of healthy population screening.

Literature cited by the submitters: PubMed 16786533 (cited by Labcorp Genetics (formerly Invitae), Labcorp); PubMed 22593002 (cited by Labcorp Genetics (formerly Invitae), Labcorp).